The following is an entry in ClinVar:

NM_001243133.2(NLRP3):c.1937A>G (p.Asp646Gly)

Gene: NLRP3 (NLR family pyrin domain containing 3; plus strand). Cytogenetic location: 1q44.
Variant type: single nucleotide variant.
Coding change: c.1937A>G on transcript NM_001243133.2 (MANE Select); coding-DNA position 1937, A replaced by G.
Protein change: p.Asp646Gly; replaces aspartic acid 646 with glycine.
Molecular consequence: missense variant.
Genome position (GRCh38, 1-based): chr1:247,425,386, A>G. VCF-style: chr1-247425386-A-G. GRCh37 (hg19) VCF-style: chr1-247588688-A-G.
Other names: c.1937A>G, p.Asp646Gly (NM_001127461.3, NM_001127462.3, NM_183395.3 and 1 more transcripts); c.1943A>G, p.Asp648Gly (NM_004895.5); short protein forms D646G, D648G.
Identifiers: ClinVar variation 1028307 (VCV001028307.6), dbSNP rs1342790456, ClinGen allele CA345558224.

ClinVar aggregate classification (germline): Conflicting classifications of pathogenicity. Review status: criteria provided, conflicting classifications (1 of 4 stars). 4 submissions from 4 submitters: Uncertain significance (3); Likely benign (1). Last evaluated 2024-12-23.

Conditions:
NLRP3-related disorder. Also called: NLRP3-related condition; NLRP3-Related Disorders.
Chronic infantile neurological, cutaneous and articular syndrome (CINCA). Also called: CINCA syndrome; CHRONIC NEUROLOGIC CUTANEOUS AND ARTICULAR SYNDROME; CRYOPYRIN-ASSOCIATED PERIODIC SYNDROME 3; Prieur Griscelli syndrome. Identifiers: Orphanet 1451, MedGen C0409818, MONDO:0011776, OMIM 607115.
Cryopyrin associated periodic syndrome (CAPS). Identifiers: Orphanet 208650, MedGen C2316212, MONDO:0016168.
Inborn genetic diseases. Identifiers: MedGen C0950123, MeSH D030342.

Allele frequency attached by ClinVar (database versions not stated): gnomAD exomes 0.00001.
gnomAD v4.1: 12 of 1,614,186 alleles (0.00074%); highest among the groups gnomAD compares: Non-Finnish European, 0.001%; no homozygotes.

Submissions (4):

PreventionGenetics, part of Exact Sciences
Classification: Uncertain significance for NLRP3-related condition. Last evaluated: 2024-12-23. Review status: criteria provided, single submitter. Criteria: ACMG Guidelines, 2015. Collection method: clinical testing. Allele origin: germline.
Comment: The NLRP3 c.1943A>G variant is predicted to result in the amino acid substitution p.Asp648Gly. To our knowledge, this variant has not been reported in the literature. This variant is reported in 0.0026% of alleles in individuals of European (Non-Finnish) descent in gnomAD. At this time, the clinical significance of this variant is uncertain due to the absence of conclusive functional and genetic evidence.

Ambry Genetics
Classification: Likely benign for Inborn genetic diseases. Last evaluated: 2023-10-27. Review status: criteria provided, single submitter. Criteria: Ambry Variant Classification Scheme 2023. Collection method: clinical testing. Allele origin: germline.

Labcorp Genetics (formerly Invitae), Labcorp
Classification: Uncertain significance for Cryopyrin associated periodic syndrome. Last evaluated: 2023-10-05. Review status: criteria provided, single submitter. Criteria: Invitae Variant Classification Sherloc (09022015). Collection method: clinical testing. Allele origin: germline.
Comment: This sequence change replaces aspartic acid, which is acidic and polar, with glycine, which is neutral and non-polar, at codon 648 of the NLRP3 protein (p.Asp648Gly). This variant is present in population databases (no rsID available, gnomAD 0.003%). This variant has not been reported in the literature in individuals affected with NLRP3-related conditions. ClinVar contains an entry for this variant (Variation ID: 1028307). Advanced modeling of protein sequence and biophysical properties (such as structural, functional, and spatial information, amino acid conservation, physicochemical variation, residue mobility, and thermodynamic stability) performed at Invitae indicates that this missense variant is not expected to disrupt NLRP3 protein function. In summary, the available evidence is currently insufficient to determine the role of this variant in disease. Therefore, it has been classified as a Variant of Uncertain Significance.

Baylor Genetics
Classification: Uncertain significance for Chronic infantile neurological, cutaneous and articular syndrome. Last evaluated: 2020-03-20. Review status: criteria provided, single submitter. Criteria: ACMG Guidelines, 2015. Collection method: clinical testing. Allele origin: unknown. Affected: yes.
Comment: This variant was determined to be of uncertain significance according to ACMG Guidelines, 2015 [PMID:25741868].